The following is an entry in ClinVar:

ClinVar aggregate classification (germline): Uncertain significance (1 of 4 stars; one submission).

Submission:

Labcorp Genetics (formerly Invitae), Labcorp
Classification: Uncertain significance. Last evaluated: 2024-10-16. Review status: criteria provided, single submitter. Criteria: Invitae Variant Classification Sherloc (09022015). Collection method: clinical testing. Allele origin: germline.
Comment: This sequence change creates a premature translational stop signal (p.Gly521Alafs*34) in the WDR1 gene. It is expected to result in an absent or disrupted protein product. However, the current clinical and genetic evidence is not sufficient to establish whether loss-of-function variants in WDR1 cause disease. This variant is not present in population databases (gnomAD no frequency). This variant has not been reported in the literature in individuals affected with WDR1-related conditions. ClinVar contains an entry for this variant (Variation ID: 2117365). In summary, the available evidence is currently insufficient to determine the role of this variant in disease. Therefore, it has been classified as a Variant of Uncertain Significance.

NM_017491.5(WDR1):c.1562del (p.Gly521fs)

Gene: WDR1 (WD repeat domain 1; minus strand). Cytogenetic location: 4p16.1.
Variant type: Deletion.
Coding change: c.1562del on transcript NM_017491.5 (MANE Select); coding-DNA position 1562, one base deleted (G; older notation c.1562delG).
Protein change: p.Gly521fs; shifts the reading frame from glycine 521.
Molecular consequence: frameshift variant.
Genome position (GRCh38, 1-based): chr4:10,077,760, C deleted on the plus strand (G on the coding strand, the reverse complement: WDR1 is on the minus strand); the first of 2 consecutive C bases (chr4:10,077,760-10,077,761); deleting either gives the same sequence. VCF-style (leftmost placement, unchanged base first): chr4-10077759-GC-G. GRCh37 (hg19) VCF-style: chr4-10079383-GC-G.
Other names: c.1142del, p.Gly381fs (NM_005112.5); short protein forms G381fs, G521fs.
Identifiers: ClinVar variation 2117365 (VCV002117365.4), dbSNP rs2547343540, ClinGen allele CA2580070834.